The following is an entry in ClinVar:

NM_001271.4(CHD2):c.1311_1318del (p.Phe437fs)

Gene: CHD2 (chromodomain helicase DNA binding protein 2; plus strand). Cytogenetic location: 15q26.1.
Variant type: Deletion.
Coding change: c.1311_1318del on transcript NM_001271.4 (MANE Select); coding-DNA positions 1311 to 1318, 8 bases deleted (CCAGAATT; older notation c.1311_1318delCCAGAATT).
Protein change: p.Phe437fs; shifts the reading frame from phenylalanine 437.
Molecular consequence: frameshift variant.
Genome position (GRCh38, 1-based): chr15:92,946,150-92,946,157, CCAGAATT deleted; deleting any 8 consecutive bases within chr15:92,946,146-92,946,157 gives the same sequence; the c. name uses the placement nearest the transcript's 3' end. VCF-style (leftmost placement, unchanged base first): chr15-92946145-AAATTCCAG-A. GRCh37 (hg19) VCF-style: chr15-93489375-AAATTCCAG-A.
Other names: c.1311_1318del, p.Phe437fs (NM_001042572.3); short protein forms F437fs.
Identifiers: ClinVar variation 2701251 (VCV002701251.3), dbSNP rs2505459140, ClinGen allele CA2697549413.
Genomic context (GRCh38, chr15:92,946,145, plus strand): 5'-AAATGGATGGGACTCCCCTATTCAGAGTGTAGCTGGGAAGATGAAGCCCTCATTGGAAAG[AAATTCCAG>A]AATTGCATTGACAGCTTCCACAGTAGGAACAACTCAAAAACCATCCCAACAAGAGAATGC-3'

ClinVar aggregate classification (germline): Pathogenic (1 of 4 stars; one submission).

Conditions:
Developmental and epileptic encephalopathy 94 (DEE94). Also called: CHD2-Related Neurodevelopmental Disorders; Epileptic encephalopathy, childhood-onset. Identifiers: Orphanet 1942, Orphanet 2382, MedGen C3809278, MONDO:0014150, OMIM 615369.

Submission:

Labcorp Genetics (formerly Invitae), Labcorp
Classification: Pathogenic for Developmental and epileptic encephalopathy 94. Last evaluated: 2023-12-06. Review status: criteria provided, single submitter. Criteria: Invitae Variant Classification Sherloc (09022015). Collection method: clinical testing. Allele origin: germline.
Comment: This sequence change creates a premature translational stop signal (p.Phe437Leufs*3) in the CHD2 gene. It is expected to result in an absent or disrupted protein product. Loss-of-function variants in CHD2 are known to be pathogenic (PMID: 23708187, 24207121). This variant is not present in population databases (gnomAD no frequency). This variant has not been reported in the literature in individuals affected with CHD2-related conditions. For these reasons, this variant has been classified as Pathogenic.

Literature cited by the submitters: PubMed 23708187; PubMed 24207121.